The following is an entry in ClinVar:

NM_001379500.1(COL18A1):c.1834-1G>A

Gene: COL18A1 (collagen type XVIII alpha 1 chain; plus strand). Cytogenetic location: 21q22.3.
Variant type: single nucleotide variant.
Coding change: c.1834-1G>A on transcript NM_001379500.1 (MANE Select); the canonical splice acceptor site of the intron before coding-DNA position 1834, G replaced by A.
Molecular consequence: splice acceptor variant.
Genome position (GRCh38, 1-based): chr21:45,487,446, G>A. VCF-style: chr21-45487446-G-A. GRCh37 (hg19) VCF-style: chr21-46907360-G-A.
Other names: c.3079-1G>A (NM_130444.3); c.2374-1G>A (NM_030582.4).
Identifiers: ClinVar variation 2420440 (VCV002420440.8), dbSNP rs776147216, ClinGen allele CA10066573.
Genomic context (GRCh38, chr21:45,487,446, plus strand): 5'-GGGAGGGGTCCTTCCCTAAGAAGGGACACAGGCCCCTACGTGTCTCGTGTGTCTCTTCCA[G>A]GATGACATGGAAGGCTCCGGGGGGCCCTTCTGGTCAACAGCCCGAAGCGCTGATGGGCCA-3'

ClinVar aggregate classification (germline): Likely pathogenic (1 of 4 stars; one submission).

Allele frequency attached by ClinVar (database versions not stated): gnomAD exomes below 0.00001; TOPMed below 0.00001; ExAC 0.00001.
gnomAD v4.1: 6 of 1,612,898 alleles (0.00037%); highest among the groups gnomAD compares: Non-Finnish European, 0.00051%; no homozygotes.

Submissions (2):

Labcorp Genetics (formerly Invitae), Labcorp
Classification: Likely pathogenic. Last evaluated: 2024-10-09. Review status: criteria provided, single submitter. Criteria: Invitae Variant Classification Sherloc (09022015). Collection method: clinical testing. Allele origin: germline.
Comment: This sequence change affects an acceptor splice site in intron 16 of the COL18A1 gene. It is expected to disrupt RNA splicing. Variants that disrupt the donor or acceptor splice site typically lead to a loss of protein function (PMID: 16199547), and loss-of-function variants in COL18A1 are known to be pathogenic (PMID: 12415512, 25456301). This variant is present in population databases (rs776147216, gnomAD 0.003%). This variant has not been reported in the literature in individuals affected with COL18A1-related conditions. ClinVar contains an entry for this variant (Variation ID: 2420440). Algorithms developed to predict the effect of sequence changes on RNA splicing suggest that this variant may disrupt the consensus splice site. In summary, the currently available evidence indicates that the variant is pathogenic, but additional data are needed to prove that conclusively. Therefore, this variant has been classified as Likely Pathogenic.

Dr. Peter K. Rogan Lab, Western University
No classification provided (evidence only). Condition: Clear cell carcinoma of kidney. Review status: no classification provided. Collection method: in vitro. Allele origin: not applicable. Functional consequence: skipped exon, retained intron. Not counted in ClinVar's aggregate classification.

Literature cited by the submitters: PubMed 16199547 (cited by Labcorp Genetics (formerly Invitae), Labcorp); PubMed 12415512 (cited by Labcorp Genetics (formerly Invitae), Labcorp); PubMed 25456301 (cited by Labcorp Genetics (formerly Invitae), Labcorp).